The following is an entry in ClinVar:

ClinVar aggregate classification (germline): Uncertain significance (1 of 4 stars; one submission).

Conditions:
Hereditary spastic paraplegia 3A (SPG3A). Also called: SPASTIC PARAPLEGIA 3, AUTOSOMAL DOMINANT; FAMILIAL SPASTIC PARAPLEGIA, AUTOSOMAL DOMINANT, 1; SPG3; STRUMPELL DISEASE; Spastic Paraplegia 3A; Spastic paraplegia 3A, autosomal dominant. Identifiers: Orphanet 100984, MedGen C2931355, MONDO:0008437, OMIM 182600.

Allele frequency attached by ClinVar (database versions not stated): TOPMed 0.00001.

Submission:

Labcorp Genetics (formerly Invitae), Labcorp
Classification: Uncertain significance for Hereditary spastic paraplegia 3A. Last evaluated: 2023-10-15. Review status: criteria provided, single submitter. Criteria: Invitae Variant Classification Sherloc (09022015). Collection method: clinical testing. Allele origin: germline.
Comment: This sequence change replaces methionine, which is neutral and non-polar, with valine, which is neutral and non-polar, at codon 91 of the ATL1 protein (p.Met91Val). This variant is not present in population databases (gnomAD no frequency). This variant has not been reported in the literature in individuals affected with ATL1-related conditions. An algorithm developed to predict the effect of missense changes on protein structure and function (PolyPhen-2) suggests that this variant is likely to be disruptive. In summary, the available evidence is currently insufficient to determine the role of this variant in disease. Therefore, it has been classified as a Variant of Uncertain Significance.

NM_015915.5(ATL1):c.271A>G (p.Met91Val)

Gene: ATL1 (atlastin GTPase 1; plus strand). Cytogenetic location: 14q22.1.
Variant type: single nucleotide variant.
Coding change: c.271A>G on transcript NM_015915.5 (MANE Select); coding-DNA position 271, A replaced by G.
Protein change: p.Met91Val; replaces methionine 91 with valine.
Molecular consequence: missense variant.
Genome position (GRCh38, 1-based): chr14:50,588,067, A>G. VCF-style: chr14-50588067-A-G. GRCh37 (hg19) VCF-style: chr14-51054785-A-G.
Other names: c.271A>G, p.Met91Val (NM_001127713.1, NM_181598.4); short protein forms M91V.
Identifiers: ClinVar variation 2989808 (VCV002989808.3), dbSNP rs985606716, ClinGen allele CA260772463.
Genomic context (GRCh38, chr14:50,588,067, plus strand): 5'-TCTGTTGCTGGAGCATTTAGAAAAGGAAAATCATTCCTGATGGACTTCATGTTGAGATAC[A>G]TGTACAACCAGGTATGCAGGAAGTACTTTAAAAAGTTTTCTTTCTTCTGTGCTTCTGTCA-3'
Protein context (NP_056999.2, residues 81-101): SFLMDFMLRY[Met91Val]YNQESVDWVG